The following is an entry in ClinVar:

ClinVar aggregate classification (germline): Uncertain significance. Review status: criteria provided, multiple submitters, no conflicts (2 of 4 stars). 6 submissions from 6 submitters: Uncertain significance (6). Last evaluated 2025-11-27.

Conditions:
Cardiomyopathy (CMYO). Also called: Cardiomyopathies. Identifiers: Orphanet 167848, MedGen C0878544, MONDO:0004994, HP:0001638. Inheritance: Various modes of inheritance.
Hypertrophic cardiomyopathy. Also called: HYPERTROPHIC MYOCARDIOPATHY. Identifiers: Orphanet 217569, MedGen C0007194, MeSH D002312, MONDO:0005045, HP:0001639.

Allele frequency attached by ClinVar (database versions not stated): gnomAD exomes 0.00001; ExAC 0.00006.
gnomAD v4.1: 10 of 1,530,188 alleles (0.00065%); highest among the groups gnomAD compares: Non-Finnish European, 0.00079%; no homozygotes.

Submissions (6):

Labcorp Genetics (formerly Invitae), Labcorp
Classification: Uncertain significance for Hypertrophic cardiomyopathy. Last evaluated: 2025-11-27. Review status: criteria provided, single submitter. Criteria: Invitae Variant Classification Sherloc (09022015). Collection method: clinical testing. Allele origin: germline.
Comment: This sequence change replaces tyrosine, which is neutral and polar, with cysteine, which is neutral and slightly polar, at codon 908 of the MYBPC3 protein (p.Tyr908Cys). The frequency data for this variant in the population databases is considered unreliable, as metrics indicate poor data quality at this position in the gnomAD database. This missense change has been observed in individual(s) with hypertrophic cardiomyopathy (PMID: 27532257, 29875424, 37652022, 37904629). ClinVar contains an entry for this variant (Variation ID: 42655). An algorithm developed to predict the effect of missense changes on protein structure and function (PolyPhen-2) suggests that this variant is likely to be disruptive. In summary, the available evidence is currently insufficient to determine the role of this variant in disease. Therefore, it has been classified as a Variant of Uncertain Significance.

Blueprint Genetics
Classification: Uncertain significance. Last evaluated: 2024-08-06. Review status: criteria provided, single submitter. Criteria: ACMG Guidelines, 2015. Collection method: clinical testing. Allele origin: germline.

Color Diagnostics, LLC DBA Color Health
Classification: Uncertain significance for Cardiomyopathy. Last evaluated: 2024-02-05. Review status: criteria provided, single submitter. Criteria: ACMG Guidelines, 2015. Collection method: clinical testing. Allele origin: germline.
Comment: This missense variant replaces tyrosine with cysteine at codon 908 of the MYBPC3 protein. Computational prediction tools indicate that this variant has a deleterious impact on protein structure and function. To our knowledge, functional studies have not been reported for this variant. This variant has been reported in two individuals affected with hypertrophic cardiomyopathy (PMID: 27532257, 29875424) and in one individual affected with dilated cardiomyopathy (PMID: 37904629). This variant has been identified in 1/143516 chromosomes in the general population by the Genome Aggregation Database (gnomAD). The available evidence is insufficient to determine the role of this variant in disease conclusively. Therefore, this variant is classified as a Variant of Uncertain Significance.

All of Us Research Program, National Institutes of Health
Classification: Uncertain significance for Hypertrophic cardiomyopathy. Last evaluated: 2023-10-30. Review status: criteria provided, single submitter. Criteria: ACMG Guidelines, 2015. Collection method: clinical testing. Allele origin: germline. Inheritance: Autosomal dominant inheritance. Observed: 1 variant allele, 1 heterozygote.
Comment: This missense variant replaces tyrosine with cysteine at codon 908 of the MYBPC3 protein. Computational prediction tools and conservation analyses suggest that this variant may have deleterious impact on protein structure and function. Splice site prediction tools suggest that this variant may not impact RNA splicing. To our knowledge, functional studies have not been performed for this variant. This variant has not been reported in individuals affected with cardiovascular disorders in the literature. This variant has been identified in 1/143516 chromosomes in the general population by the Genome Aggregation Database (gnomAD). The available evidence is insufficient to determine the role of this variant in disease conclusively. Therefore, this variant is classified as a Variant of Uncertain Significance.

This study involves interpretation of variants in research participants for the purpose of population health screening. Participant phenotype was not available at the time of variant classification. Additional details can be found in publication PMID: 35346344, PMCID: PMC8962531

AiLife Diagnostics
Classification: Uncertain significance. Last evaluated: 2022-02-18. Review status: criteria provided, single submitter. Criteria: ACMG Guidelines, 2015. Collection method: clinical testing. Allele origin: germline. Affected: yes. Observed: 1 variant allele.

Laboratory for Molecular Medicine, Mass General Brigham Personalized Medicine
Classification: Uncertain significance. Last evaluated: 2013-02-04. Review status: criteria provided, single submitter. Criteria: LMM Criteria. Collection method: clinical testing. Allele origin: germline. Observed: 1 variant allele.
Comment: The Tyr908Cys variant in MYBPC3 has not been reported in the literature nor prev iously identified by our laboratory. The frequency of this variant in large Euro pean American and African American populations cannot be determined from the NHL BI Exome Sequencing Project, because coverag e at this position was insufficient or unavailable. Computational analyses (bioc hemical amino acid properties, conservation, AlignGVGD, PolyPhen2, and SIFT) sug gest that the Tyr908Cys variant may impact the protein, though this information is not predictive enough to determine pathogenicity. In summary, additional stud ies are needed to fully assess the clinical significance of this variant.

Literature cited by the submitters: PubMed 27532257 (cited by 3 submitters); PubMed 29875424 (cited by Labcorp Genetics (formerly Invitae), Labcorp and Color Diagnostics, LLC DBA Color Health); PubMed 37652022 (cited by Labcorp Genetics (formerly Invitae), Labcorp); PubMed 37904629 (cited by Labcorp Genetics (formerly Invitae), Labcorp and Color Diagnostics, LLC DBA Color Health).

NM_000256.3(MYBPC3):c.2723A>G (p.Tyr908Cys)

Gene: MYBPC3 (myosin binding protein C3; minus strand). Cytogenetic location: 11p11.2.
Variant type: single nucleotide variant.
Coding change: c.2723A>G on transcript NM_000256.3 (MANE Select); coding-DNA position 2723, A replaced by G.
Protein change: p.Tyr908Cys; replaces tyrosine 908 with cysteine.
Molecular consequence: missense variant.
Genome position (GRCh38, 1-based): chr11:47,335,891, T>C on the plus strand (A>G on the coding strand, the complement: MYBPC3 is on the minus strand). VCF-style: chr11-47335891-T-C. GRCh37 (hg19) VCF-style: chr11-47357442-T-C.
Other names: short protein forms Y908C.
Identifiers: ClinVar variation 42655 (VCV000042655.17), dbSNP rs397515984, ClinGen allele CA012872.